The following is an entry in ClinVar:

NM_000271.5(NPC1):c.473dup (p.Asn158fs)

Gene: NPC1 (NPC intracellular cholesterol transporter 1; minus strand). Cytogenetic location: 18q11.2.
Variant type: Duplication.
Coding change: c.473dup on transcript NM_000271.5 (MANE Select); coding-DNA position 473, one base duplicated (A; older notation c.473dupA).
Protein change: p.Asn158fs; shifts the reading frame from asparagine 158.
Molecular consequence: frameshift variant.
Genome position (GRCh38, 1-based): chr18:23,561,518, T duplicated on the plus strand (A on the coding strand, the reverse complement: NPC1 is on the minus strand); the first of 2 consecutive T bases (chr18:23,561,518-23,561,519); duplicating either gives the same sequence. VCF-style (leftmost placement, unchanged base first): chr18-23561517-A-AT. GRCh37 (hg19) VCF-style: chr18-21141481-A-AT.
Other names: short protein forms N158fs.
Identifiers: ClinVar variation 1726160 (VCV001726160.2), dbSNP rs2511309763, ClinGen allele CA2580095640.

ClinVar aggregate classification (germline): Likely pathogenic (1 of 4 stars; one submission).

Conditions:
Niemann-Pick disease, type C1. Also called: NEUROVISCERAL STORAGE DISEASE WITH VERTICAL SUPRANUCLEAR OPHTHALMOPLEGIA; NIEMANN-PICK DISEASE WITH CHOLESTEROL ESTERIFICATION BLOCK; NIEMANN-PICK DISEASE WITHOUT SPHINGOMYELINASE DEFICIENCY; NIEMANN-PICK DISEASE, CHRONIC NEURONOPATHIC FORM; NIEMANN-PICK DISEASE, VARIANT TYPE C1. Identifiers: Orphanet 646, MedGen C3179455, MONDO:0009757, OMIM 257220.

Submission:

Myriad Genetics, Inc.
Classification: Likely pathogenic for Niemann-Pick disease, type C1. Last evaluated: 2022-05-18. Review status: criteria provided, single submitter. Criteria: Myriad Women's Health Autosomal Recessive and X-Linked Classification Criteria (2021). Collection method: clinical testing. Allele origin: unknown.
Comment: NM_000271.4(NPC1):c.473dupA(N158Kfs*12) is expected to be pathogenic in the context of Niemann-Pick disease type C1. This variant is predicted to lead to an abnormal or absent protein product due to the creation of a premature termination codon in NPC1, a gene where loss-of-function variants are known to be pathogenic. Please note: this variant was assessed in the context of healthy population screening.